The following is an entry in ClinVar:

NM_000256.3(MYBPC3):c.1305G>A (p.Gln435=)

Gene: MYBPC3 (myosin binding protein C3; minus strand). Cytogenetic location: 11p11.2.
Variant type: single nucleotide variant.
Coding change: c.1305G>A on transcript NM_000256.3 (MANE Select); coding-DNA position 1305, G replaced by A.
Protein change: p.Gln435=; no amino-acid change (glutamine 435 retained).
Molecular consequence: synonymous variant.
Genome position (GRCh38, 1-based): chr11:47,343,067, C>T on the plus strand (G>A on the coding strand, the complement: MYBPC3 is on the minus strand). VCF-style: chr11-47343067-C-T. GRCh37 (hg19) VCF-style: chr11-47364618-C-T.
Identifiers: ClinVar variation 4751525 (VCV004751525.2).
Genomic context (GRCh38, chr11:47,343,067, plus strand): 5'-GGTCCCAGGCCCACCTTTCACAAAGAGCTCCGTGCTACACTTCTCGCCACCCACCACGCA[C>T]TGGTAGGCTGCGTCGTCCGCCAATGAGCACTGGCTGATGGTCAGGGTACGCTTGGCACCG-3'
Protein context (NP_000247.2, residues 425-445): QCSLADDAAY[Gln435=]CVVGGEKCST

ClinVar aggregate classification (germline): Conflicting classifications of pathogenicity. Review status: criteria provided, conflicting classifications (1 of 4 stars). 2 submissions from 2 submitters: Uncertain significance (1); Likely benign (1). Last evaluated 2026-02-11.

Conditions:
Hypertrophic cardiomyopathy. Also called: HYPERTROPHIC MYOCARDIOPATHY. Identifiers: Orphanet 217569, MedGen C0007194, MeSH D002312, MONDO:0005045, HP:0001639.
Cardiovascular phenotype. Identifiers: MedGen CN230736.

gnomAD v4.1: 3 of 1,612,814 alleles (0.00019%); highest among the groups gnomAD compares: Admixed American, 0.005%; no homozygotes.

Submissions (2):

Ambry Genetics
Classification: Uncertain significance for Cardiovascular phenotype. Last evaluated: 2026-02-11. Review status: criteria provided, single submitter. Criteria: Ambry Variant Classification Scheme 2023. Collection method: clinical testing. Allele origin: germline.
Comment: The c.1305G>A variant (also known as p.Q435Q), located in coding exon 15 of the MYBPC3 gene, results from a G to A substitution at nucleotide position 1305. This nucleotide substitution does not change the amino acid at codon 435. This nucleotide position is not well conserved in available vertebrate species. In silico splice site analysis for this alteration is inconclusive. Based on the available evidence, the clinical significance of this variant remains unclear.

Labcorp Genetics (formerly Invitae), Labcorp
Classification: Likely benign for Hypertrophic cardiomyopathy. Last evaluated: 2025-12-13. Review status: criteria provided, single submitter. Criteria: Invitae Variant Classification Sherloc (09022015). Collection method: clinical testing. Allele origin: germline.